The following is an entry in ClinVar:

ClinVar aggregate classification (germline): Uncertain significance. Review status: criteria provided, multiple submitters, no conflicts (2 of 4 stars). 2 submissions from 2 submitters: Uncertain significance (2). Last evaluated 2024-12-16.

Allele frequency attached by ClinVar (database versions not stated): gnomAD exomes below 0.00001; TOPMed below 0.00001; gnomAD 0.00001.
gnomAD v4.1: 3 of 769,776 alleles (0.00039%); highest among the groups gnomAD compares: East Asian, 0.008%; no homozygotes.

Submissions (2):

Labcorp Genetics (formerly Invitae), Labcorp
Classification: Uncertain significance. Last evaluated: 2024-12-16. Review status: criteria provided, single submitter. Criteria: Invitae Variant Classification Sherloc (09022015). Collection method: clinical testing. Allele origin: germline.
Comment: This sequence change replaces glycine, which is neutral and non-polar, with glutamic acid, which is acidic and polar, at codon 191 of the REEP6 protein (p.Gly191Glu). This variant is present in population databases (no rsID available, gnomAD 0.1%). This variant has not been reported in the literature in individuals affected with REEP6-related conditions. ClinVar contains an entry for this variant (Variation ID: 1027115). Experimental studies and prediction algorithms are not available or were not evaluated, and the functional significance of this variant is currently unknown. In summary, the available evidence is currently insufficient to determine the role of this variant in disease. Therefore, it has been classified as a Variant of Uncertain Significance.

Blueprint Genetics
Classification: Uncertain significance. Last evaluated: 2024-09-30. Review status: criteria provided, single submitter. Criteria: ACMG Guidelines, 2015. Collection method: clinical testing. Allele origin: germline.

NM_001329556.3(REEP6):c.572G>A (p.Gly191Glu)

Gene: REEP6 (receptor accessory protein 6; plus strand). Cytogenetic location: 19p13.3.
Variant type: single nucleotide variant.
Coding change: c.572G>A on transcript NM_001329556.3 (MANE Plus Clinical); coding-DNA position 572, G replaced by A.
Protein change: p.Gly191Glu; replaces glycine 191 with glutamic acid.
Molecular consequence: missense variant. On other transcripts: intron variant (1).
Genome position (GRCh38, 1-based): chr19:1,496,645, G>A. VCF-style: chr19-1496645-G-A. GRCh37 (hg19) VCF-style: chr19-1496644-G-A.
Other names: c.517+192G>A (NM_138393.4); short protein forms G191E.
Identifiers: ClinVar variation 1027115 (VCV001027115.9), dbSNP rs1409786548, ClinGen allele CA631057770.